The following is an entry in ClinVar:

NM_153610.5(CMYA5):c.3767C>T (p.Pro1256Leu)

Gene: CMYA5 (cardiomyopathy associated 5; plus strand). Cytogenetic location: 5q14.1.
Variant type: single nucleotide variant.
Coding change: c.3767C>T on transcript NM_153610.5 (MANE Select); coding-DNA position 3767, C replaced by T.
Protein change: p.Pro1256Leu; replaces proline 1256 with leucine.
Molecular consequence: missense variant.
Genome position (GRCh38, 1-based): chr5:79,732,532, C>T. VCF-style: chr5-79732532-C-T. GRCh37 (hg19) VCF-style: chr5-79028355-C-T.
Other names: c.3767C>T (NM_153610.3); short protein forms P1256L.
Identifiers: ClinVar variation 1299459 (VCV001299459.7), dbSNP rs200915446, ClinGen allele CA3321820.
Genomic context (GRCh38, chr5:79,732,532, plus strand): 5'-CTGAGATGAAATATTCAGTTTTGCCTGACATGGTAGATGAGCCAAAGAAGGGTGTCAAGC[C>T]CAAATTAGTTCTAAATGTGACTTCTGAACTAGAACAGAGAAAGTTGTCCAAGAATGAGCC-3'
Protein context (NP_705838.3, residues 1246-1266): MVDEPKKGVK[Pro1256Leu]KLVLNVTSEL

ClinVar aggregate classification (germline): Uncertain significance. Review status: criteria provided, multiple submitters, no conflicts (2 of 4 stars). 2 submissions from 2 submitters: Uncertain significance (2). Last evaluated 2025-01-20.

Allele frequency attached by ClinVar (database versions not stated): ESP Exome Variant Server 0.00008; gnomAD exomes 0.00009 and 0.00015; ExAC 0.00011; gnomAD 0.00014; TOPMed 0.00015.
gnomAD v4.1: 234 of 1,612,928 alleles (0.015%); highest among the groups gnomAD compares: Admixed American, 0.018%; no homozygotes.

Submissions (2):

Ambry Genetics
Classification: Uncertain significance. Last evaluated: 2025-01-20. Review status: criteria provided, single submitter. Criteria: Ambry Variant Classification Scheme 2023. Collection method: clinical testing. Allele origin: germline.

Illumina Laboratory Services, Illumina
Classification: Uncertain significance. Last evaluated: 2021-09-22. Review status: criteria provided, single submitter. Criteria: ICSLVariantClassificationCriteria RUGD 01 April 2020. Collection method: clinical testing. Allele origin: unknown.
Comment: The CMYA5 c.3767C>T (p.Pro1256Leu) variant is a missense variant. A literature search was performed for the gene, cDNA change, and amino acid change. No publications were found based on this search. This variant is reported at a frequency of 0.000425 in the Other population of the Genome Aggregation Database (version 2.1.1). Multiple lines of computational evidence suggest that this variant will have no impact on the gene or gene product, though these predictions have not been confirmed experimentally. Based on the available evidence, the p.Pro1256Leu variant is classified as a variant of uncertain significance.